The following is an entry in ClinVar:

NM_001371986.1(UNC80):c.9167T>C (p.Leu3056Pro)

Gene: UNC80 (unc-80 subunit of NALCN channel complex; plus strand). Cytogenetic location: 2q34.
Variant type: single nucleotide variant.
Coding change: c.9167T>C on transcript NM_001371986.1 (MANE Select); coding-DNA position 9167, T replaced by C.
Protein change: p.Leu3056Pro; replaces leucine 3056 with proline.
Molecular consequence: missense variant.
Genome position (GRCh38, 1-based): chr2:209,982,227, T>C. VCF-style: chr2-209982227-T-C. GRCh37 (hg19) VCF-style: chr2-210846951-T-C.
Other names: c.8969T>C, p.Leu2990Pro (NM_032504.2); c.8954T>C, p.Leu2985Pro (NM_182587.4); short protein forms L2985P, L2990P, L3056P.
Identifiers: ClinVar variation 1390773 (VCV001390773.6), dbSNP rs2125023031, ClinGen allele CA350414895.

ClinVar aggregate classification (germline): Uncertain significance (1 of 4 stars; one submission).

Allele frequency attached by ClinVar (database versions not stated): gnomAD exomes below 0.00001.
gnomAD v4.1: 3 of 1,551,620 alleles (0.00019%); highest among the groups gnomAD compares: Non-Finnish European, 0.00026%; no homozygotes.

Submission:

Labcorp Genetics (formerly Invitae), Labcorp
Classification: Uncertain significance. Last evaluated: 2021-11-01. Review status: criteria provided, single submitter. Criteria: Invitae Variant Classification Sherloc (09022015). Collection method: clinical testing. Allele origin: germline.
Comment: In summary, the available evidence is currently insufficient to determine the role of this variant in disease. Therefore, it has been classified as a Variant of Uncertain Significance. Algorithms developed to predict the effect of missense changes on protein structure and function are either unavailable or do not agree on the potential impact of this missense change (SIFT: "Not Available"; PolyPhen-2: "Probably Damaging"; Align-GVGD: "Not Available"). This variant has not been reported in the literature in individuals affected with UNC80-related conditions. This variant is not present in population databases (gnomAD no frequency). This sequence change replaces leucine, which is neutral and non-polar, with proline, which is neutral and non-polar, at codon 2990 of the UNC80 protein (p.Leu2990Pro).